The following is an entry in ClinVar:

ClinVar aggregate classification (germline): Likely pathogenic (1 of 4 stars; one submission).

Conditions:
Dihydropyrimidine dehydrogenase deficiency (DPYDD). Also called: DPD DEFICIENCY; DPYD DEFICIENCY; Hereditary Thymine-Uraciluria. Identifiers: Orphanet 1675, MedGen C1959620, MONDO:0010130, OMIM 274270.

Submission:

Women's Health and Genetics/Laboratory Corporation of America, LabCorp
Classification: Likely pathogenic for Dihydropyrimidine dehydrogenase deficiency. Last evaluated: 2025-07-07. Review status: criteria provided, single submitter. Criteria: LabCorp Variant Classification Summary - May 2015. Collection method: clinical testing. Allele origin: germline.
Comment: Variant summary: The variant involves the duplication of exons 5-6 in the DPYD gene. It is assumed to be a tandem duplication in direct orientation (PMIDs: 25640679, 30054569). This Copy Number Variant (CNV) is expected to alter the reading frame and predicted to result in a truncation or absence of the encoded protein due to nonsense mediated decay (NMD). A presumed nomenclature of c.(321+1_322-1)_(680+1_681-1)dup has been designated for the purposes of this classification. The variant was absent in 21694 control chromosomes. To our knowledge, no occurrence of c.(321+1_322-1)_(680+1_681-1)dup in individuals affected with Dihydropyrimidine Dehydrogenase Deficiency and no experimental evidence demonstrating its impact on protein function have been reported. No submitters have cited clinical-significance assessments for this variant to ClinVar. Based on the evidence outlined above, the variant was classified as likely pathogenic.

NC_000001.10:g.(98157355_98164906)_(98187228_98205947)dup

Gene: DPYD (dihydropyrimidine dehydrogenase; minus strand). Cytogenetic location: 1p21.3.
Variant type: Duplication.
Identifiers: ClinVar variation 3911968 (VCV003911968.2).